The following is an entry in ClinVar:

ClinVar aggregate classification (germline): Uncertain significance (1 of 4 stars; one submission).

Conditions:
Familial cancer of breast. Also called: Hereditary breast cancer; hereditary breast carcinoma; BREAST CANCER, FAMILIAL. Identifiers: Orphanet 227535, MedGen C0346153, MONDO:0016419, OMIM 114480. Disease mechanism: loss of function.
Fanconi anemia complementation group J. Also called: BRIP1-Related Fanconi Anemia. Identifiers: Orphanet 84, MedGen C1836860, MONDO:0012187, OMIM 609054.

Submission:

Labcorp Genetics (formerly Invitae), Labcorp
Classification: Uncertain significance for Familial cancer of breast; Fanconi anemia complementation group J. Last evaluated: 2022-05-07. Review status: criteria provided, single submitter. Criteria: Invitae Variant Classification Sherloc (09022015). Collection method: clinical testing. Allele origin: germline.
Comment: This variant is not present in population databases (gnomAD no frequency). In summary, the available evidence is currently insufficient to determine the role of this variant in disease. Therefore, it has been classified as a Variant of Uncertain Significance. Algorithms developed to predict the effect of missense changes on protein structure and function are either unavailable or do not agree on the potential impact of this missense change (SIFT: "Tolerated"; PolyPhen-2: "Possibly Damaging"; Align-GVGD: "Class C0"). This variant has not been reported in the literature in individuals affected with BRIP1-related conditions. This sequence change replaces lysine, which is basic and polar, with asparagine, which is neutral and polar, at codon 242 of the BRIP1 protein (p.Lys242Asn).

NM_032043.3(BRIP1):c.726G>T (p.Lys242Asn)

Gene: BRIP1 (BRCA1 interacting DNA helicase 1; minus strand). Cytogenetic location: 17q23.2.
Variant type: single nucleotide variant.
Coding change: c.726G>T on transcript NM_032043.3 (MANE Select); coding-DNA position 726, G replaced by T.
Protein change: p.Lys242Asn; replaces lysine 242 with asparagine.
Molecular consequence: missense variant.
Genome position (GRCh38, 1-based): chr17:61,808,659, C>A on the plus strand (G>T on the coding strand, the complement: BRIP1 is on the minus strand). VCF-style: chr17-61808659-C-A. GRCh37 (hg19) VCF-style: chr17-59886020-C-A.
Other names: short protein forms K242N.
Identifiers: ClinVar variation 2135279 (VCV002135279.4), dbSNP rs2145419397, ClinGen allele CA400485041.